The following is an entry in ClinVar:

ClinVar aggregate classification (germline): Uncertain significance. Review status: criteria provided, multiple submitters, no conflicts (2 of 4 stars). 2 submissions from 2 submitters: Uncertain significance (2). Last evaluated 2025-12-15.

Conditions:
Progressive sclerosing poliodystrophy (MTDPS4A). Also called: Mitochondrial DNA Depletion Syndrome 4A; Alpers-Huttenlocher Syndrome (AHS); Alpers Syndrome; ALPERS DIFFUSE DEGENERATION OF CEREBRAL GRAY MATTER WITH HEPATIC CIRRHOSIS; Alpers-Huttenlocher Syndrome; Mitochondrial DNA depletion syndrome 4A (Alpers type). Identifiers: Orphanet 726, MedGen C0205710, MONDO:0008758, OMIM 203700.

Allele frequency attached by ClinVar (database versions not stated): ExAC 0.00001; gnomAD 0.00001 and 0.00002; gnomAD exomes 0.00001; TOPMed 0.00001.
gnomAD v4.1: 4 of 1,577,378 alleles (0.00025%); highest among the groups gnomAD compares: African/African-American, 0.0041%; no homozygotes.

Submissions (2):

Labcorp Genetics (formerly Invitae), Labcorp
Classification: Uncertain significance for Progressive sclerosing poliodystrophy. Last evaluated: 2025-12-15. Review status: criteria provided, single submitter. Criteria: Invitae Variant Classification Sherloc (09022015). Collection method: clinical testing. Allele origin: germline.
Comment: This sequence change replaces glycine, which is neutral and non-polar, with arginine, which is basic and polar, at codon 182 of the POLG protein (p.Gly182Arg). This variant is present in population databases (rs768242927, gnomAD 0.004%). This variant has not been reported in the literature in individuals affected with POLG-related conditions. ClinVar contains an entry for this variant (Variation ID: 1306849). Invitae Evidence Modeling of protein sequence and biophysical properties (such as structural, functional, and spatial information, amino acid conservation, physicochemical variation, residue mobility, and thermodynamic stability) indicates that this missense variant is expected to disrupt POLG protein function with a positive predictive value of 95%. In summary, the available evidence is currently insufficient to determine the role of this variant in disease. Therefore, it has been classified as a Variant of Uncertain Significance.

GeneDx
Classification: Uncertain significance. Last evaluated: 2021-12-13. Review status: criteria provided, single submitter. Criteria: GeneDx Variant Classification Process June 2021. Collection method: clinical testing. Allele origin: germline. Affected: yes.
Comment: Not observed at significant frequency in large population cohorts (Lek et al., 2016); In silico analysis, which includes protein predictors and evolutionary conservation, supports a deleterious effect; Has not been previously published as pathogenic or benign to our knowledge

NM_002693.3(POLG):c.544G>C (p.Gly182Arg)

Genes: POLG (DNA polymerase gamma, catalytic subunit; minus strand), POLGARF (POLG alternative reading frame; minus strand). Cytogenetic location: 15q26.1.
Variant type: single nucleotide variant.
Coding change: c.544G>C on transcript NM_002693.3 (MANE Select); coding-DNA position 544, G replaced by C.
Protein change: p.Gly182Arg; replaces glycine 182 with arginine.
Molecular consequence: missense variant.
Genome position (GRCh38, 1-based): chr15:89,333,211, C>G on the plus strand (G>C on the coding strand, the complement: POLG is on the minus strand). VCF-style: chr15-89333211-C-G. GRCh37 (hg19) VCF-style: chr15-89876442-C-G.
Other names: c.544G>C, p.Gly182Arg (NM_001126131.2); short protein forms G182R.
Identifiers: ClinVar variation 1306849 (VCV001306849.8), dbSNP rs768242927, ClinGen allele CA7725097.